The following is an entry in ClinVar:

NM_001374828.1(ARID1B):c.4391C>A (p.Pro1464His)

Gene: ARID1B (AT-rich interaction domain 1B; plus strand). Cytogenetic location: 6q25.3.
Variant type: single nucleotide variant.
Coding change: c.4391C>A on transcript NM_001374828.1 (MANE Select); coding-DNA position 4391, C replaced by A.
Protein change: p.Pro1464His; replaces proline 1464 with histidine.
Molecular consequence: missense variant.
Genome position (GRCh38, 1-based): chr6:157,198,819, C>A. VCF-style: chr6-157198819-C-A. GRCh37 (hg19) VCF-style: chr6-157519953-C-A.
Other names: c.1892C>A, p.Pro631His (NM_001363725.2); c.4271C>A, p.Pro1424His (NM_001371656.1, NM_001374820.1); c.4232C>A, p.Pro1411His (NM_017519.3); c.4022C>A (NM_020732.3); short protein forms P1411H, P1424H, P1464H, P631H.
Identifiers: ClinVar variation 3348592 (VCV003348592.1).

ClinVar aggregate classification (germline): Uncertain significance (0 of 4 stars; one submission).

Conditions:
ARID1B-Related Disorder. Identifiers: MedGen CN381337.

Submission:

PreventionGenetics, part of Exact Sciences
Classification: Uncertain significance for ARID1B-related condition. Last evaluated: 2024-03-29. Review status: no assertion criteria provided. Collection method: clinical testing. Allele origin: germline.
Comment: The ARID1B c.4022C>A variant is predicted to result in the amino acid substitution p.Pro1341His. To our knowledge, this variant has not been reported in the literature or in a large population database, indicating this variant is rare. At this time, the clinical significance of this variant is uncertain due to the absence of conclusive functional and genetic evidence.